The following is an entry in ClinVar:

NM_016396.3(CTDSPL2):c.38del (p.Asn13fs)

Gene: CTDSPL2 (CTD small phosphatase like 2; plus strand). Cytogenetic location: 15q15.3.
Variant type: Deletion.
Coding change: c.38del on transcript NM_016396.3 (MANE Select); coding-DNA position 38, one base deleted (A; older notation c.38delA).
Protein change: p.Asn13fs; shifts the reading frame from asparagine 13.
Molecular consequence: frameshift variant.
Genome position (GRCh38, 1-based): chr15:44,459,052, A deleted; the last of 3 consecutive A bases (chr15:44,459,050-44,459,052); deleting any one gives the same sequence. VCF-style (leftmost placement, unchanged base first): chr15-44459049-CA-C. GRCh37 (hg19) VCF-style: chr15-44751247-CA-C.
Other names: short protein forms N13fs.
Identifiers: ClinVar variation 1703072 (VCV001703072.3), dbSNP rs2504838771, ClinGen allele CA2580089444.
Genomic context (GRCh38, chr15:44,459,049, plus strand): 5'-AGTTTTACATGTGGCACCCATAAAAGATGAGGCTGAGAACACGGAAAGCTTCTCAGCAGT[CA>C]AATCAAATCCAAACACAACGCACTGCCAGAGCAAAGAGGAAATATTCAGAGGTTGATGAT-3'

ClinVar aggregate classification (germline): Uncertain significance (1 of 4 stars; one submission).

Submission:

Greenwood Genetic Center Diagnostic Laboratories, Greenwood Genetic Center
Classification: Uncertain significance. Last evaluated: 2022-05-26. Review status: criteria provided, single submitter. Criteria: ACMG Guidelines, 2015. Collection method: clinical testing. Allele origin: germline. Affected: yes.
Comment: Gene of Uncertain Significance